The following is an entry in ClinVar:

NM_024996.7(GFM1):c.1239T>A (p.Tyr413Ter)

Gene: GFM1 (G elongation factor mitochondrial 1; plus strand). Cytogenetic location: 3q25.32.
Variant type: single nucleotide variant.
Coding change: c.1239T>A on transcript NM_024996.7 (MANE Select); coding-DNA position 1239, T replaced by A.
Protein change: p.Tyr413Ter; replaces tyrosine 413 with a stop codon.
Molecular consequence: nonsense. On other transcripts: non-coding transcript variant (4).
Genome position (GRCh38, 1-based): chr3:158,660,891, T>A. VCF-style: chr3-158660891-T-A. GRCh37 (hg19) VCF-style: chr3-158378680-T-A.
Other names: c.1296T>A, p.Tyr432Ter (NM_001308164.2); c.1239T>A, p.Tyr413Ter (NM_001308166.2); c.1158T>A, p.Tyr386Ter (NM_001374355.1); c.1122T>A, p.Tyr374Ter (NM_001374356.1); c.1014T>A, p.Tyr338Ter (NM_001374357.1); c.780T>A, p.Tyr260Ter (NM_001374358.1); c.672T>A, p.Tyr224Ter (NM_001374359.1, NM_001374360.1); c.555T>A, p.Tyr185Ter (NM_001374361.1); short protein forms Y374*, Y224*, Y386*, Y413*, Y185*, Y260*, Y338*, Y432*.
Identifiers: ClinVar variation 2093073 (VCV002093073.4), dbSNP rs2473992572, ClinGen allele CA355177838.

ClinVar aggregate classification (germline): Pathogenic (1 of 4 stars; one submission).

Submission:

Labcorp Genetics (formerly Invitae), Labcorp
Classification: Pathogenic. Last evaluated: 2025-07-14. Review status: criteria provided, single submitter. Criteria: Invitae Variant Classification Sherloc (09022015). Collection method: clinical testing. Allele origin: germline.
Comment: This sequence change creates a premature translational stop signal (p.Tyr413*) in the GFM1 gene. It is expected to result in an absent or disrupted protein product. Loss-of-function variants in GFM1 are known to be pathogenic (PMID: 16632485, 17160893). This variant is not present in population databases (gnomAD no frequency). This variant has not been reported in the literature in individuals affected with GFM1-related conditions. ClinVar contains an entry for this variant (Variation ID: 2093073). For these reasons, this variant has been classified as Pathogenic.

Literature cited by the submitters: PubMed 16632485; PubMed 17160893.